The following is an entry in ClinVar:

ClinVar aggregate classification (germline): Pathogenic/Likely pathogenic. Review status: criteria provided, multiple submitters, no conflicts (2 of 4 stars). 2 submissions from 2 submitters: Pathogenic (1); Likely pathogenic (1). Last evaluated 2024-05-30.

Conditions:
Salla disease (SD). Also called: Sialuria, Finnish type; N-acetylneuraminic acid (NANA) storage disease (NSD); Infantile sialic acid storage disorder (ISSD); Less Severe FSASD (Salla Disease). Identifiers: Orphanet 309334, Orphanet 834, MedGen C1096903, MONDO:0011449, OMIM 604369.
Sialic acid storage disease, severe infantile type (ISSD). Also called: N-ACETYLNEURAMINIC ACID STORAGE DISEASE; NANA STORAGE DISEASE; SIALURIA, INFANTILE FORM; Infantile Sialic Acid Storage Disease; Free sialic acid storage disease, infantile form; INFANTILE SIALIC ACID STORAGE DISORDER. Identifiers: Orphanet 309324, Orphanet 834, MedGen C1096902, MONDO:0010027, OMIM 269920.

Submissions (2):

Fulgent Genetics
Classification: Likely pathogenic for Sialic acid storage disease, severe infantile type; Salla disease. Last evaluated: 2024-05-30. Review status: criteria provided, single submitter. Criteria: ACMG Guidelines, 2015. Collection method: clinical testing. Allele origin: germline.

Labcorp Genetics (formerly Invitae), Labcorp
Classification: Pathogenic for Salla disease. Last evaluated: 2021-07-17. Review status: criteria provided, single submitter. Criteria: Invitae Variant Classification Sherloc (09022015). Collection method: clinical testing. Allele origin: germline.
Comment: For these reasons, this variant has been classified as Pathogenic. This variant disrupts a region of the SLC17A5 protein in which other variant(s) (p.Arg39Cys) have been determined to be pathogenic (PMID: 10581036, 10947946, 12359136, 12794688). This suggests that this is a clinically significant region of the protein, and that variants that disrupt it are likely to be disease-causing. This variant has not been reported in the literature in individuals affected with SLC17A5-related conditions. This variant is not present in population databases (ExAC no frequency). This sequence change affects the initiator methionine of the SLC17A5 mRNA. The next in-frame methionine is located at codon 67.

Literature cited by the submitters: PubMed 10581036 (cited by Labcorp Genetics (formerly Invitae), Labcorp); PubMed 10947946 (cited by Labcorp Genetics (formerly Invitae), Labcorp); PubMed 12359136 (cited by Labcorp Genetics (formerly Invitae), Labcorp); PubMed 12794688 (cited by Labcorp Genetics (formerly Invitae), Labcorp).

NM_012434.5(SLC17A5):c.1A>T (p.Met1Leu)

Genes: SLC17A5 (solute carrier family 17 member 5; minus strand), LOC129996727 (ATAC-STARR-seq lymphoblastoid silent region 17338; plus strand). Cytogenetic location: 6q13.
Variant type: single nucleotide variant.
Coding change: c.1A>T on transcript NM_012434.5 (MANE Select); coding-DNA position 1, A replaced by T.
Protein change: p.Met1Leu; changes the start codon (methionine 1).
Molecular consequence: missense variant, initiator codon variant. On other transcripts: 5 prime UTR variant (2).
Genome position (GRCh38, 1-based): chr6:73,653,886, T>A on the plus strand (A>T on the coding strand, the complement: SLC17A5 is on the minus strand). VCF-style: chr6-73653886-T-A. GRCh37 (hg19) VCF-style: chr6-74363609-T-A.
Other names: c.-34A>T (NM_001382629.1, NM_001382636.1); c.1A>T, p.Met1Leu (NM_001382630.1, NM_001382631.1, NM_001382632.1 and 3 more transcripts); short protein forms M1L.
Identifiers: ClinVar variation 1355900 (VCV001355900.7), dbSNP rs1304456183, ClinGen allele CA364720310.